The following is an entry in ClinVar:

ClinVar aggregate classification (germline): Likely benign. Review status: criteria provided, multiple submitters, no conflicts (2 of 4 stars). 3 submissions from 3 submitters: Likely benign (2). 1 of the submissions does not count toward it. Last evaluated 2025-09-10.

Conditions:
SCN3A-related disorder. Also called: SCN3A-related condition.

Allele frequency attached by ClinVar (database versions not stated): ExAC 0.00002; gnomAD exomes 0.00002; TOPMed 0.00003; ESP Exome Variant Server 0.00008.
gnomAD v4.1: 38 of 1,613,762 alleles (0.0024%); highest among the groups gnomAD compares: African/African-American, 0.0093%; no homozygotes.

Submissions (3):

Labcorp Genetics (formerly Invitae), Labcorp
Classification: Likely benign. Last evaluated: 2025-09-10. Review status: criteria provided, single submitter. Criteria: Invitae Variant Classification Sherloc (09022015). Collection method: clinical testing. Allele origin: germline.

Blueprint Genetics
Classification: Likely benign. Last evaluated: 2021-08-30. Review status: criteria provided, single submitter. Criteria: ACMG Guidelines, 2015. Collection method: clinical testing. Allele origin: germline.

PreventionGenetics, part of Exact Sciences
Classification: Likely benign for SCN3A-related condition. Last evaluated: 2019-03-12. Review status: no assertion criteria provided. Collection method: clinical testing. Allele origin: germline. Not counted in ClinVar's aggregate classification.
Comment: This variant is classified as likely benign based on ACMG/AMP sequence variant interpretation guidelines (Richards et al. 2015 PMID: 25741868, with internal and published modifications).

NM_006922.4(SCN3A):c.1389G>A (p.Ala463=)

Gene: SCN3A (sodium voltage-gated channel alpha subunit 3; minus strand). Cytogenetic location: 2q24.3.
Variant type: single nucleotide variant.
Coding change: c.1389G>A on transcript NM_006922.4 (MANE Select); coding-DNA position 1389, G replaced by A.
Protein change: p.Ala463=; no amino-acid change (alanine 463 retained).
Molecular consequence: synonymous variant.
Genome position (GRCh38, 1-based): chr2:165,147,021, C>T on the plus strand (G>A on the coding strand, the complement: SCN3A is on the minus strand). VCF-style: chr2-165147021-C-T. GRCh37 (hg19) VCF-style: chr2-166003531-C-T.
Other names: c.1389G>A, p.Ala463= (NM_001081676.2, NM_001081677.2).
Identifiers: ClinVar variation 700356 (VCV000700356.13), dbSNP rs370936969, ClinGen allele CA1939163.